The following is an entry in ClinVar:

ClinVar aggregate classification (germline): Uncertain significance (1 of 4 stars; one submission).

Allele frequency attached by ClinVar (database versions not stated): TOPMed below 0.00001; ExAC 0.00001; gnomAD 0.00001; gnomAD exomes 0.00001; 1000 Genomes Project 30x 0.00016; 1000 Genomes Project 0.00020.
gnomAD v4.1: 6 of 1,611,810 alleles (0.00037%); highest among the groups gnomAD compares: East Asian, 0.011%; no homozygotes.

Submission:

Labcorp Genetics (formerly Invitae), Labcorp
Classification: Uncertain significance. Last evaluated: 2022-12-06. Review status: criteria provided, single submitter. Criteria: Invitae Variant Classification Sherloc (09022015). Collection method: clinical testing. Allele origin: germline.
Comment: In summary, the available evidence is currently insufficient to determine the role of this variant in disease. Therefore, it has been classified as a Variant of Uncertain Significance. Variants that disrupt the consensus splice site are a relatively common cause of aberrant splicing (PMID: 17576681, 9536098). Algorithms developed to predict the effect of sequence changes on RNA splicing suggest that this variant may disrupt the consensus splice site. Algorithms developed to predict the effect of missense changes on protein structure and function (SIFT, PolyPhen-2, Align-GVGD) all suggest that this variant is likely to be disruptive. ClinVar contains an entry for this variant (Variation ID: 1348463). This missense change has been observed in individual(s) with clinical features of retinal dystrophy (Invitae). This variant is present in population databases (rs575184601, gnomAD 0.01%). This sequence change replaces arginine, which is basic and polar, with threonine, which is neutral and polar, at codon 1246 of the RIMS1 protein (p.Arg1246Thr). This variant also falls at the last nucleotide of exon 25, which is part of the consensus splice site for this exon.

Literature cited by the submitters: PubMed 17576681; PubMed 9536098.

NM_014989.7(RIMS1):c.3737G>C (p.Arg1246Thr)

Gene: RIMS1 (regulating synaptic membrane exocytosis 1; plus strand). Cytogenetic location: 6q13.
Variant type: single nucleotide variant.
Coding change: c.3737G>C on transcript NM_014989.7 (MANE Select); coding-DNA position 3737, G replaced by C.
Protein change: p.Arg1246Thr; replaces arginine 1246 with threonine.
Molecular consequence: missense variant. On other transcripts: intron variant (56).
Genome position (GRCh38, 1-based): chr6:72,290,861, G>C. VCF-style: chr6-72290861-G-C. GRCh37 (hg19) VCF-style: chr6-73000564-G-C.
Other names: c.1701-1073G>C (NM_001350416.2, NM_001350448.2, NM_001350417.2); c.1629-1073G>C (NM_001350414.2, NM_001350439.2, NM_001168408.2 and 2 more transcripts); c.1638-1073G>C (NM_001350457.2); c.1776-1073G>C (NM_001350434.2); c.1704-1073G>C (NM_001350418.2); c.1782-1073G>C (NM_001350415.2, NM_001350445.2); c.1698-1073G>C (NM_001168407.2, NM_001350422.2); c.1626-1073G>C (NM_001350425.2, NM_001350441.2, NM_001350443.2 and 1 more transcripts); and 31 more; short protein forms R598T, R627T, R581T, R604T, R1246T, R628T.
Identifiers: ClinVar variation 1348463 (VCV001348463.8), dbSNP rs575184601, ClinGen allele CA3886333.